The following is an entry in ClinVar:

NM_001039469.3(MARK2):c.1939_1940del (p.Leu647fs)

Gene: MARK2 (microtubule affinity regulating kinase 2; plus strand). Cytogenetic location: 11q13.1.
Variant type: Deletion.
Coding change: c.1939_1940del on transcript NM_001039469.3 (MANE Select); coding-DNA positions 1939 to 1940, 2 bases deleted (CT; older notation c.1939_1940delCT).
Protein change: p.Leu647fs; shifts the reading frame from leucine 647.
Molecular consequence: frameshift variant. On other transcripts: intron variant (3).
Genome position (GRCh38, 1-based): chr11:63,906,092-63,906,093, CT deleted; deleting any 2 consecutive bases within chr11:63,906,091-63,906,093 gives the same sequence; the c. name uses the placement nearest the transcript's 3' end. VCF-style (leftmost placement, unchanged base first): chr11-63906090-ATC-A. GRCh37 (hg19) VCF-style: chr11-63673562-ATC-A.
Other names: c.1938_1939delTC (NM_001039469.3); c.1777_1778del, p.Leu593fs (NM_001163296.2); c.1769+1049_1769+1050del (NM_004954.5, NM_001163297.2); c.1832+1049_1832+1050del (NM_017490.4); short protein forms L593fs, L647fs.
Identifiers: ClinVar variation 3253637 (VCV003253637.3), dbSNP rs1252482376.

ClinVar aggregate classification (germline): Likely pathogenic. Review status: criteria provided, single submitter (1 of 4 stars). 2 submissions from 2 submitters: Likely pathogenic (1). 1 of the submissions does not count toward it. Last evaluated 2022-11-22.

Conditions:
Intellectual disability. Also called: Intellectual functioning disability; intellectual disabilities; Intellectual developmental disorder. Identifiers: MedGen C3714756, MeSH D008607, MONDO:0001071, HP:0001249.
Autism spectrum disorder. Also called: Autism spectrum disorders. Identifiers: MedGen C1510586, MeSH D000067877, MONDO:0005258.

Submissions (2):

Genetics Laboratory, UDIAT-Centre Diagnòstic, Hospital Universitari Parc Tauli
Classification: Likely pathogenic for intellectual disability. Last evaluated: 2022-11-22. Review status: criteria provided, single submitter. Criteria: ACMG Guidelines, 2015. Collection method: clinical testing. Allele origin: unknown. Inheritance: Autosomal dominant inheritance. Affected: yes.
Comment: PVS1_very strong;PM2_supporting

Department of Medical Genetics, Capital Institute of Pediatrics
Classification: Likely pathogenic for Autism Spectrum Disorder. Last evaluated: 2024-07-03. Review status: no assertion criteria provided. Collection method: research. Allele origin: paternal. Affected: yes. Not counted in ClinVar's aggregate classification.
Comment: PVS1+PM2_Supporting

Literature cited by the submitters: PubMed 39419027 (cited by Department of Medical Genetics, Capital Institute of Pediatrics).